The following is an entry in ClinVar:

NM_005401.5(PTPN14):c.456C>G (p.Asp152Glu)

Gene: PTPN14 (protein tyrosine phosphatase non-receptor type 14; minus strand). Cytogenetic location: 1q41.
Variant type: single nucleotide variant.
Coding change: c.456C>G on transcript NM_005401.5 (MANE Select); coding-DNA position 456, C replaced by G.
Protein change: p.Asp152Glu; replaces aspartic acid 152 with glutamic acid.
Molecular consequence: missense variant.
Genome position (GRCh38, 1-based): chr1:214,411,738, G>C on the plus strand (C>G on the coding strand, the complement: PTPN14 is on the minus strand). VCF-style: chr1-214411738-G-C. GRCh37 (hg19) VCF-style: chr1-214585081-G-C.
Other names: short protein forms D152E.
Identifiers: ClinVar variation 3237448 (VCV003237448.1), dbSNP rs746576679.

ClinVar aggregate classification (germline): Uncertain significance (1 of 4 stars; one submission).

Conditions:
Lymphedema-posterior choanal atresia syndrome. Identifiers: Orphanet 99141, MedGen C3150875, MONDO:0013324, OMIM 613611.

Allele frequency attached by ClinVar (database versions not stated): gnomAD exomes below 0.00001; ExAC 0.00001; gnomAD 0.00001.
gnomAD v4.1: 2 of 1,508,446 alleles (0.00013%); highest among the groups gnomAD compares: African/African-American, 0.0028%; no homozygotes.

Submission:

Clinical Genomics Laboratory, Washington University in St. Louis
Classification: Uncertain significance for Lymphedema-posterior choanal atresia syndrome. Last evaluated: 2023-12-08. Review status: criteria provided, single submitter. Criteria: ACMG Guidelines, 2015. Collection method: clinical testing. Allele origin: germline.
Comment: The PTPN14 c.456C>G (p.Asp152Glu) variant was identified at a near heterozygous allelic fraction of 40.55%, a frequency which may be consistent with it being of germline origin. This variant, to our knowledge, has not been reported in the medical literature. This variant is only observed on 2/897,894 alleles in the general population (gnomAD v.4.0.0), indicating it is not a common variant. Computational predictors are uncertain as to the impact of this variant on PTPN14 function. Due to limited information, and based on ACMG/AMP guidelines for variant interpretation (Richards S et al., PMID: 25741868), the clinical significance of this variant is uncertain at this time.